The following is an entry in ClinVar:

NM_000553.6(WRN):c.1210del (p.Ile404fs)

Gene: WRN (WRN RecQ like helicase; plus strand). Cytogenetic location: 8p12.
Variant type: Deletion.
Coding change: c.1210del on transcript NM_000553.6 (MANE Select); coding-DNA position 1210, one base deleted (A; older notation c.1210delA).
Protein change: p.Ile404fs; shifts the reading frame from isoleucine 404.
Molecular consequence: frameshift variant.
Genome position (GRCh38, 1-based): chr8:31,081,237, A deleted; the last of 3 consecutive A bases (chr8:31,081,235-31,081,237); deleting any one gives the same sequence. VCF-style (leftmost placement, unchanged base first): chr8-31081234-CA-C. GRCh37 (hg19) VCF-style: chr8-30938750-CA-C.
Other names: short protein forms I404fs.
Identifiers: ClinVar variation 1443748 (VCV001443748.6), dbSNP rs2130121219, ClinGen allele CA2573142712.

ClinVar aggregate classification (germline): Pathogenic (1 of 4 stars; one submission).

Conditions:
Werner syndrome (WRN). Identifiers: Orphanet 902, MedGen C0043119, MONDO:0010196, OMIM 277700.

Submission:

Labcorp Genetics (formerly Invitae), Labcorp
Classification: Pathogenic for Werner syndrome. Last evaluated: 2023-01-14. Review status: criteria provided, single submitter. Criteria: Invitae Variant Classification Sherloc (09022015). Collection method: clinical testing. Allele origin: germline.
Comment: This variant has not been reported in the literature in individuals affected with WRN-related conditions. This variant is not present in population databases (gnomAD no frequency). This sequence change creates a premature translational stop signal (p.Ile404Phefs*34) in the WRN gene. It is expected to result in an absent or disrupted protein product. Loss-of-function variants in WRN are known to be pathogenic (PMID: 16673358). ClinVar contains an entry for this variant (Variation ID: 1443748). For these reasons, this variant has been classified as Pathogenic.

Literature cited by the submitters: PubMed 16673358.